The following is an entry in ClinVar:

NM_005157.6(ABL1):c.1829C>G (p.Thr610Arg)

Gene: ABL1 (ABL proto-oncogene 1, non-receptor tyrosine kinase; plus strand). Cytogenetic location: 9q34.12.
Variant type: single nucleotide variant.
Coding change: c.1829C>G on transcript NM_005157.6 (MANE Select); coding-DNA position 1829, C replaced by G.
Protein change: p.Thr610Arg; replaces threonine 610 with arginine.
Molecular consequence: missense variant.
Genome position (GRCh38, 1-based): chr9:130,884,119, C>G. VCF-style: chr9-130884119-C-G. GRCh37 (hg19) VCF-style: chr9-133759506-C-G.
Other names: c.1886C>G, p.Thr629Arg (NM_007313.3); short protein forms T610R, T629R.
Identifiers: ClinVar variation 4801863 (VCV004801863.1).

ClinVar aggregate classification (germline): Uncertain significance (1 of 4 stars; one submission).

Submission:

Labcorp Genetics (formerly Invitae), Labcorp
Classification: Uncertain significance. Last evaluated: 2025-11-22. Review status: criteria provided, single submitter. Criteria: Invitae Variant Classification Sherloc (09022015). Collection method: clinical testing. Allele origin: germline.
Comment: This sequence change replaces threonine, which is neutral and polar, with arginine, which is basic and polar, at codon 629 of the ABL1 protein (p.Thr629Arg). This variant is not present in population databases (gnomAD no frequency). This variant has not been reported in the literature in individuals affected with ABL1-related conditions. Invitae Evidence Modeling of protein sequence and biophysical properties (such as structural, functional, and spatial information, amino acid conservation, physicochemical variation, residue mobility, and thermodynamic stability) indicates that this missense variant is not expected to disrupt ABL1 protein function with a negative predictive value of 95%. In summary, the available evidence is currently insufficient to determine the role of this variant in disease. Therefore, it has been classified as a Variant of Uncertain Significance.